The following is an entry in ClinVar:

NM_198576.4(AGRN):c.484A>G (p.Thr162Ala)

Gene: AGRN (agrin; plus strand). Cytogenetic location: 1p36.33.
Variant type: single nucleotide variant.
Coding change: c.484A>G on transcript NM_198576.4 (MANE Select); coding-DNA position 484, A replaced by G.
Protein change: p.Thr162Ala; replaces threonine 162 with alanine.
Molecular consequence: missense variant.
Genome position (GRCh38, 1-based): chr1:1,035,297, A>G. VCF-style: chr1-1035297-A-G. GRCh37 (hg19) VCF-style: chr1-970677-A-G.
Other names: c.484A>G, p.Thr162Ala (NM_001305275.2); c.169A>G, p.Thr57Ala (NM_001364727.2); short protein forms T162A, T57A.
Identifiers: ClinVar variation 1400950 (VCV001400950.6), dbSNP rs1250043774, ClinGen allele CA337818401.

ClinVar aggregate classification (germline): Uncertain significance (1 of 4 stars; one submission).

Conditions:
Congenital myasthenic syndrome 8. Also called: MYASTHENIC SYNDROME, CONGENITAL, DUE TO AGRIN DEFICIENCY; Myasthenic syndrome, congenital, 8, with pre- and postsynaptic defects. Identifiers: Orphanet 590, MedGen C3808739, MONDO:0014052, OMIM 615120.

gnomAD v4.1: 4 of 1,612,600 alleles (0.00025%); highest among the groups gnomAD compares: Admixed American, 0.005%; no homozygotes.

Submission:

Labcorp Genetics (formerly Invitae), Labcorp
Classification: Uncertain significance for Congenital myasthenic syndrome 8. Last evaluated: 2024-10-17. Review status: criteria provided, single submitter. Criteria: Invitae Variant Classification Sherloc (09022015). Collection method: clinical testing. Allele origin: germline.
Comment: This sequence change replaces threonine, which is neutral and polar, with alanine, which is neutral and non-polar, at codon 162 of the AGRN protein (p.Thr162Ala). This variant is present in population databases (no rsID available, gnomAD 0.006%). This variant has not been reported in the literature in individuals affected with AGRN-related conditions. ClinVar contains an entry for this variant (Variation ID: 1400950). An algorithm developed to predict the effect of missense changes on protein structure and function (PolyPhen-2) suggests that this variant is likely to be tolerated. In summary, the available evidence is currently insufficient to determine the role of this variant in disease. Therefore, it has been classified as a Variant of Uncertain Significance.